The following is an entry in ClinVar:

ClinVar aggregate classification (germline): Uncertain significance (1 of 4 stars; one submission).

Allele frequency attached by ClinVar (database versions not stated): ExAC 0.00002; ESP Exome Variant Server 0.00008.
gnomAD v4.1: 15 of 1,609,920 alleles (0.00093%); highest among the groups gnomAD compares: East Asian, 0.0045%; no homozygotes.

Submission:

Labcorp Genetics (formerly Invitae), Labcorp
Classification: Uncertain significance. Last evaluated: 2023-06-14. Review status: criteria provided, single submitter. Criteria: Invitae Variant Classification Sherloc (09022015). Collection method: clinical testing. Allele origin: germline.
Comment: ClinVar contains an entry for this variant (Variation ID: 2178720). This variant has not been reported in the literature in individuals affected with DCHS1-related conditions. This variant is present in population databases (rs369236555, gnomAD 0.01%). This sequence change replaces arginine, which is basic and polar, with tryptophan, which is neutral and slightly polar, at codon 429 of the DCHS1 protein (p.Arg429Trp). In summary, the available evidence is currently insufficient to determine the role of this variant in disease. Therefore, it has been classified as a Variant of Uncertain Significance. Advanced modeling of protein sequence and biophysical properties (such as structural, functional, and spatial information, amino acid conservation, physicochemical variation, residue mobility, and thermodynamic stability) performed at Invitae indicates that this missense variant is expected to disrupt DCHS1 protein function.

NM_003737.4(DCHS1):c.1285C>T (p.Arg429Trp)

Gene: DCHS1 (dachsous cadherin-related 1; minus strand). Cytogenetic location: 11p15.4.
Variant type: single nucleotide variant.
Coding change: c.1285C>T on transcript NM_003737.4 (MANE Select); coding-DNA position 1285, C replaced by T.
Protein change: p.Arg429Trp; replaces arginine 429 with tryptophan.
Molecular consequence: missense variant.
Genome position (GRCh38, 1-based): chr11:6,640,329, G>A on the plus strand (C>T on the coding strand, the complement: DCHS1 is on the minus strand). VCF-style: chr11-6640329-G-A. GRCh37 (hg19) VCF-style: chr11-6661560-G-A.
Other names: short protein forms R429W.
Identifiers: ClinVar variation 2178720 (VCV002178720.4), dbSNP rs369236555, ClinGen allele CA5860996.
Genomic context (GRCh38, chr11:6,640,329, plus strand): 5'-AGCCTGAGTCTGTGGCTGTAACCCTCAAGTTATAGGCATCCCTCTCCTCTCGATCCAGCC[G>A]CCGAGCCACACACACCAGATAGATGACGCTGTCTTGGGTGCTTAGGGCAAAGTGGCCCTC-3'
Protein context (NP_003728.1, residues 419-439): SVIYLVCVAR[Arg429Trp]LDREERDAYN